The following is an entry in ClinVar:

ClinVar aggregate classification (germline): Benign. Review status: criteria provided, multiple submitters, no conflicts (2 of 4 stars). 2 submissions from 2 submitters: Benign (2). Last evaluated 2016-03-28.

Allele frequency attached by ClinVar (database versions not stated): 1000 Genomes Project 30x 0.69566; 1000 Genomes Project 0.70128; TOPMed 0.76765; gnomAD 0.79167 and 0.79512; ESP Exome Variant Server 0.82435; ExAC 0.86591; gnomAD exomes 0.86937 and 0.93186.
gnomAD v4.1: 1,422,997 of 1,551,486 alleles (92%); highest among the groups gnomAD compares: Non-Finnish European, 96%; 663,421 homozygotes.

Submissions (2):

Laboratory for Molecular Medicine, Mass General Brigham Personalized Medicine
Classification: Benign. Last evaluated: 2016-03-28. Review status: criteria provided, single submitter. Criteria: LMM Criteria. Collection method: clinical testing. Allele origin: germline.
Comment: Variant identified in a genome or exome case(s) and assessed due to predicted null impact of the variant or pathogenic assertions in the literature or databases. Disclaimer: This variant has not undergone full assessment. The following are preliminary notes: Frequency

Breakthrough Genomics
Classification: Benign. Review status: criteria provided, single submitter. Criteria: ACMG Guidelines, 2015. Collection method: not provided. Allele origin: germline. Inheritance: Unknown mechanism. Affected: yes.

NM_001367479.1(DNAH14):c.1560C>T (p.Cys520=)

Gene: DNAH14 (dynein axonemal heavy chain 14; plus strand). Cytogenetic location: 1q42.12.
Variant type: single nucleotide variant.
Coding change: c.1560C>T on transcript NM_001367479.1 (MANE Select); coding-DNA position 1560, C replaced by T.
Protein change: p.Cys520=; no amino-acid change (cysteine 520 retained).
Molecular consequence: synonymous variant.
Genome position (GRCh38, 1-based): chr1:225,042,906, C>T. VCF-style: chr1-225042906-C-T. GRCh37 (hg19) VCF-style: chr1-225230608-C-T.
Identifiers: ClinVar variation 402644 (VCV000402644.5), dbSNP rs2501107, ClinGen allele CA1415713.
Genomic context (GRCh38, chr1:225,042,906, plus strand): 5'-TGTTGAAGTGGGGAAGGATTTGAGAAAAACATATGCACCAATATTTGAAGTAAATCTATG[C>T]TTGAGAATTCCTGCTGAGAGTGATTCTTCAGAAAATTCTAAAGAGAACTTTCATGAGTCT-3'
Protein context (NP_001354408.1, residues 510-530): TYAPIFEVNL[Cys520=]LRIPAESDSS